The following is an entry in ClinVar:

ClinVar aggregate classification (germline): Uncertain significance (1 of 4 stars; one submission).

Conditions:
Familial infantile myasthenia (CMS6). Also called: MYASTHENIC SYNDROME, PRESYNAPTIC, CONGENITAL, ASSOCIATED WITH EPISODIC APNEA; MYASTHENIC SYNDROME, CONGENITAL, 6, PRESYNAPTIC; Congenital myasthenic syndrome type 6. Identifiers: Orphanet 590, MedGen C0393929, MONDO:0009689, OMIM 254210.

Allele frequency attached by ClinVar (database versions not stated): gnomAD 0.00001; gnomAD exomes 0.00001; TOPMed 0.00001; ExAC 0.00002.
gnomAD v4.1: 17 of 1,613,626 alleles (0.0011%); highest among the groups gnomAD compares: Middle Eastern, 0.016%; no homozygotes.

Submission:

Labcorp Genetics (formerly Invitae), Labcorp
Classification: Uncertain significance for Familial infantile myasthenia. Last evaluated: 2025-02-20. Review status: criteria provided, single submitter. Criteria: Invitae Variant Classification Sherloc (09022015). Collection method: clinical testing. Allele origin: germline.
Comment: This sequence change replaces valine, which is neutral and non-polar, with methionine, which is neutral and non-polar, at codon 218 of the CHAT protein (p.Val218Met). This variant is present in population databases (rs751863010, gnomAD 0.003%). This variant has not been reported in the literature in individuals affected with CHAT-related conditions. ClinVar contains an entry for this variant (Variation ID: 1432513). Invitae Evidence Modeling of protein sequence and biophysical properties (such as structural, functional, and spatial information, amino acid conservation, physicochemical variation, residue mobility, and thermodynamic stability) indicates that this missense variant is not expected to disrupt CHAT protein function with a negative predictive value of 95%. In summary, the available evidence is currently insufficient to determine the role of this variant in disease. Therefore, it has been classified as a Variant of Uncertain Significance.

NM_020549.5(CHAT):c.652G>A (p.Val218Met)

Gene: CHAT (choline O-acetyltransferase; plus strand). Cytogenetic location: 10q11.23.
Variant type: single nucleotide variant.
Coding change: c.652G>A on transcript NM_020549.5 (MANE Select); coding-DNA position 652, G replaced by A.
Protein change: p.Val218Met; replaces valine 218 with methionine.
Molecular consequence: missense variant.
Genome position (GRCh38, 1-based): chr10:49,620,567, G>A. VCF-style: chr10-49620567-G-A. GRCh37 (hg19) VCF-style: chr10-50828613-G-A.
Other names: c.298G>A, p.Val100Met (NM_001142929.2, NM_001142934.2, NM_020984.4 and 2 more transcripts); c.406G>A, p.Val136Met (NM_001142933.2); short protein forms V136M, V100M, V218M.
Identifiers: ClinVar variation 1432513 (VCV001432513.6), dbSNP rs751863010, ClinGen allele CA5497210.